The following is an entry in ClinVar:

ClinVar aggregate classification (germline): Uncertain significance. Review status: criteria provided, multiple submitters, no conflicts (2 of 4 stars). 2 submissions from 2 submitters: Uncertain significance (2). Last evaluated 2024-11-25.

Conditions:
Combined immunodeficiency due to LRBA deficiency. Also called: Common variable immunodeficiency 8, with autoimmunity. Identifiers: Orphanet 445018, MedGen C3553512, MONDO:0013863, OMIM 614700.

Allele frequency attached by ClinVar (database versions not stated): ExAC 0.00001; gnomAD 0.00001; gnomAD exomes 0.00001; TOPMed 0.00001.
gnomAD v4.1: 6 of 1,607,484 alleles (0.00037%); highest among the groups gnomAD compares: Admixed American, 0.0051%; no homozygotes.

Submissions (2):

Labcorp Genetics (formerly Invitae), Labcorp
Classification: Uncertain significance for Combined immunodeficiency due to LRBA deficiency. Last evaluated: 2024-11-25. Review status: criteria provided, single submitter. Criteria: Invitae Variant Classification Sherloc (09022015). Collection method: clinical testing. Allele origin: germline.
Comment: This sequence change replaces lysine, which is basic and polar, with glutamic acid, which is acidic and polar, at codon 2431 of the LRBA protein (p.Lys2431Glu). This variant is present in population databases (rs747502143, gnomAD 0.008%). This variant has not been reported in the literature in individuals affected with LRBA-related conditions. ClinVar contains an entry for this variant (Variation ID: 643559). Invitae Evidence Modeling of protein sequence and biophysical properties (such as structural, functional, and spatial information, amino acid conservation, physicochemical variation, residue mobility, and thermodynamic stability) indicates that this missense variant is expected to disrupt LRBA protein function with a positive predictive value of 80%. In summary, the available evidence is currently insufficient to determine the role of this variant in disease. Therefore, it has been classified as a Variant of Uncertain Significance.

Blueprint Genetics
Classification: Uncertain significance. Last evaluated: 2020-10-15. Review status: criteria provided, single submitter. Criteria: ACMG Guidelines, 2015. Collection method: clinical testing. Allele origin: germline.

NM_001364905.1(LRBA):c.7258A>G (p.Lys2420Glu)

Gene: LRBA (LPS responsive beige-like anchor protein; minus strand). Cytogenetic location: 4q31.3.
Variant type: single nucleotide variant.
Coding change: c.7258A>G on transcript NM_001364905.1 (MANE Select); coding-DNA position 7258, A replaced by G.
Protein change: p.Lys2420Glu; replaces lysine 2420 with glutamic acid.
Molecular consequence: missense variant.
Genome position (GRCh38, 1-based): chr4:150,350,096, T>C on the plus strand (A>G on the coding strand, the complement: LRBA is on the minus strand). VCF-style: chr4-150350096-T-C. GRCh37 (hg19) VCF-style: chr4-151271248-T-C.
Other names: c.7258A>G, p.Lys2420Glu (NM_001199282.3, NM_001367550.1); c.7291A>G, p.Lys2431Glu (NM_006726.5); short protein forms K2420E, K2431E.
Identifiers: ClinVar variation 643559 (VCV000643559.11), dbSNP rs747502143, ClinGen allele CA3101694.
Genomic context (GRCh38, chr4:150,350,096, plus strand): 5'-CTTCATAGGTCAAGTAATAGAACACATTGAGGGCTCGGACAGCTTCTGGTCCTTGCTGTT[T>C]ATAGCCAAAAATGAGATCAATCCATTGGTGAAGCTGGCAGGAAACAAATTCACTCTCCAG-3'
Protein context (NP_001351834.1, residues 2410-2430): HQWIDLIFGY[Lys2420Glu]QQGPEAVRAL